The following is an entry in ClinVar:

NM_016529.6(ATP8A2):c.943G>A (p.Val315Met)

Gene: ATP8A2 (ATPase phospholipid transporting 8A2). Cytogenetic location: 13q12.13.
Variant type: single nucleotide variant.
Coding change: c.943G>A on transcript NM_016529.6 (MANE Select); coding-DNA position 943, G replaced by A.
Protein change: p.Val315Met; replaces valine 315 with methionine.
Molecular consequence: missense variant.
Genome position (GRCh38, 1-based): chr13:25,551,389, G>A. VCF-style: chr13-25551389-G-A. GRCh37 (hg19) VCF-style: chr13-26125527-G-A.
Other names: c.823G>A, p.Val275Met (NM_001313741.1); short protein forms V275M, V315M.
Identifiers: ClinVar variation 1303691 (VCV001303691.8), dbSNP rs200359090, ClinGen allele CA247138206.

ClinVar aggregate classification (germline): Uncertain significance. Review status: criteria provided, multiple submitters, no conflicts (2 of 4 stars). 2 submissions from 2 submitters: Uncertain significance (2). Last evaluated 2025-09-05.

Allele frequency attached by ClinVar (database versions not stated): ESP Exome Variant Server 0.00008.
gnomAD v4.1: 58 of 1,613,994 alleles (0.0036%); highest among the groups gnomAD compares: Middle Eastern, 0.016%; no homozygotes.

Submissions (2):

Labcorp Genetics (formerly Invitae), Labcorp
Classification: Uncertain significance. Last evaluated: 2025-09-05. Review status: criteria provided, single submitter. Criteria: Invitae Variant Classification Sherloc (09022015). Collection method: clinical testing. Allele origin: germline.
Comment: This sequence change replaces valine, which is neutral and non-polar, with methionine, which is neutral and non-polar, at codon 315 of the ATP8A2 protein (p.Val315Met). This variant is present in population databases (rs200359090, gnomAD 0.006%). This variant has not been reported in the literature in individuals affected with ATP8A2-related conditions. ClinVar contains an entry for this variant (Variation ID: 1303691). Invitae Evidence Modeling of protein sequence and biophysical properties (such as structural, functional, and spatial information, amino acid conservation, physicochemical variation, residue mobility, and thermodynamic stability) indicates that this missense variant is not expected to disrupt ATP8A2 protein function with a negative predictive value of 80%. In summary, the available evidence is currently insufficient to determine the role of this variant in disease. Therefore, it has been classified as a Variant of Uncertain Significance.

GeneDx
Classification: Uncertain significance. Last evaluated: 2019-08-07. Review status: criteria provided, single submitter. Criteria: GeneDx Variant Classification Process June 2021. Collection method: clinical testing. Allele origin: germline. Affected: yes.
Comment: In silico analysis, which includes protein predictors and evolutionary conservation, supports that this variant does not alter protein structure/function; Has not been previously published as pathogenic or benign to our knowledge